The following is an entry in ClinVar:

NM_004415.4(DSP):c.3346_3354del (p.Tyr1116_Ile1118del)

Gene: DSP (desmoplakin; plus strand). Cytogenetic location: 6p24.3.
Variant type: Deletion.
Coding change: c.3346_3354del on transcript NM_004415.4 (MANE Select); coding-DNA positions 3346 to 3354, 9 bases deleted (TATGAGATT; older notation c.3346_3354delTATGAGATT).
Protein change: p.Tyr1116_Ile1118del.
Molecular consequence: inframe deletion.
Genome position (GRCh38, 1-based): chr6:7,579,536-7,579,544, TATGAGATT deleted; deleting any 9 consecutive bases within chr6:7,579,535-7,579,544 gives the same sequence; the c. name uses the placement nearest the transcript's 3' end. VCF-style (leftmost placement, unchanged base first): chr6-7579534-CTTATGAGAT-C. GRCh37 (hg19) VCF-style: chr6-7579767-CTTATGAGAT-C.
Other names: c.3346_3354del, p.Tyr1116_Ile1118del (NM_001008844.3, NM_001319034.2).
Identifiers: ClinVar variation 2935841 (VCV002935841.4), dbSNP rs2533923284, ClinGen allele CA2740094255.

ClinVar aggregate classification (germline): Uncertain significance. Review status: criteria provided, multiple submitters, no conflicts (2 of 4 stars). 2 submissions from 2 submitters: Uncertain significance (2). Last evaluated 2024-12-24.

Conditions:
Arrhythmogenic cardiomyopathy with wooly hair and keratoderma. Also called: Arrhythmogenic cardiomyopathy with woolly hair and keratoderma; PALMOPLANTAR KERATODERMA WITH LEFT VENTRICULAR CARDIOMYOPATHY AND WOOLLY HAIR; Carvajal syndrome; Dilated cardiomyopathy with woolly hair and keratoderma. Identifiers: Orphanet 65282, MedGen C1854063, MONDO:0011581, OMIM 605676.
Arrhythmogenic right ventricular dysplasia 8 (ARVD8). Also called: Arrhythmogenic Right Ventricular Dysplasia/Cardiomyopathy 8; ARRHYTHMOGENIC RIGHT VENTRICULAR DYSPLASIA, FAMILIAL, 8; ARRHYTHMOGENIC RIGHT VENTRICULAR CARDIOMYOPATHY 8. Identifiers: MedGen C1843896, MONDO:0011831, OMIM 607450.
Cardiovascular phenotype. Identifiers: MedGen CN230736.

Submissions (2):

Labcorp Genetics (formerly Invitae), Labcorp
Classification: Uncertain significance for Arrhythmogenic cardiomyopathy with wooly hair and keratoderma; Arrhythmogenic right ventricular dysplasia 8. Last evaluated: 2024-12-24. Review status: criteria provided, single submitter. Criteria: Invitae Variant Classification Sherloc (09022015). Collection method: clinical testing. Allele origin: germline.
Comment: This variant, c.3346_3354del, results in the deletion of 3 amino acid(s) of the DSP protein (p.Tyr1116_Ile1118del), but otherwise preserves the integrity of the reading frame. This variant is not present in population databases (gnomAD no frequency). This variant has not been reported in the literature in individuals affected with DSP-related conditions. ClinVar contains an entry for this variant (Variation ID: 2935841). Experimental studies and prediction algorithms are not available or were not evaluated, and the functional significance of this variant is currently unknown. In summary, the available evidence is currently insufficient to determine the role of this variant in disease. Therefore, it has been classified as a Variant of Uncertain Significance.

Ambry Genetics
Classification: Uncertain significance for Cardiovascular phenotype. Last evaluated: 2024-08-01. Review status: criteria provided, single submitter. Criteria: Ambry Variant Classification Scheme 2023. Collection method: clinical testing. Allele origin: germline.
Comment: The c.3346_3354delTATGAGATT variant (also known as p.Y1116_I1118del) is located in coding exon 23 of the DSP gene. This variant results from an in-frame TATGAGATT deletion at nucleotide positions 3346 to 3354. This results in the in-frame deletion of three amino acids (YEI) a at codons 1116 to 1118. This variant has been observed in at least one individual with a personal and/or family history that is consistent with dilated cardiomyopathy (Ambry internal data). These amino acid positions are conserved in available vertebrate species. In addition, this alteration is predicted to be deleterious by in silico analysis (Choi Y et al. PLoS ONE. 2012; 7(10):e46688). Based on the available evidence, the clinical significance of this variant remains unclear.